The following is an entry in ClinVar:

NM_002397.5(MEF2C):c.415C>T (p.Pro139Ser)

Gene: MEF2C (myocyte enhancer factor 2C; minus strand). Cytogenetic location: 5q14.3.
Variant type: single nucleotide variant.
Coding change: c.415C>T on transcript NM_002397.5 (MANE Select); coding-DNA position 415, C replaced by T.
Protein change: p.Pro139Ser; replaces proline 139 with serine.
Molecular consequence: missense variant. On other transcripts: 5 prime UTR variant (1).
Genome position (GRCh38, 1-based): chr5:88,752,031, G>A on the plus strand (C>T on the coding strand, the complement: MEF2C is on the minus strand). VCF-style: chr5-88752031-G-A. GRCh37 (hg19) VCF-style: chr5-88047848-G-A.
Other names: c.415C>T, p.Pro139Ser (NM_001364333.2, NM_001364334.2, NM_001364335.2 and 18 more transcripts); c.469C>T, p.Pro157Ser (NM_001364338.2, NM_001193347.1); c.409C>T, p.Pro137Ser (NM_001364343.2, NM_001131005.2, NM_001364352.2); c.271C>T, p.Pro91Ser (NM_001364344.2, NM_001193348.1, NM_001193349.3 and 3 more transcripts); c.37C>T, p.Pro13Ser (NM_001364353.2, NM_001364356.2); c.-12C>T (NM_001364357.2); short protein forms P137S, P139S, P13S, P157S, P91S.
Identifiers: ClinVar variation 1334528 (VCV001334528.4), dbSNP rs2152525975, ClinGen allele CA360424038.

ClinVar aggregate classification (germline): Uncertain significance (1 of 4 stars; one submission).

gnomAD v4.1: 1 of 1,609,168 alleles (0.000062%); highest among the groups gnomAD compares: Non-Finnish European, 0.000085%; no homozygotes.

Submission:

Greenwood Genetic Center Diagnostic Laboratories, Greenwood Genetic Center
Classification: Uncertain significance. Last evaluated: 2021-08-02. Review status: criteria provided, single submitter. Criteria: ACMG Guidelines, 2015. Collection method: clinical testing. Allele origin: germline. Affected: yes.
Comment: BP4, PP2, PM2